The following is an entry in ClinVar:

NM_001035.3(RYR2):c.6731C>T (p.Ala2244Val)

Gene: RYR2 (ryanodine receptor 2; plus strand). Cytogenetic location: 1q43.
Variant type: single nucleotide variant.
Coding change: c.6731C>T on transcript NM_001035.3 (MANE Select); coding-DNA position 6731, C replaced by T.
Protein change: p.Ala2244Val; replaces alanine 2244 with valine.
Molecular consequence: missense variant.
Genome position (GRCh38, 1-based): chr1:237,634,931, C>T. VCF-style: chr1-237634931-C-T. GRCh37 (hg19) VCF-style: chr1-237798231-C-T.
Other names: short protein forms A2244V.
Identifiers: ClinVar variation 3385770 (VCV003385770.1).

ClinVar aggregate classification (germline): Uncertain significance (1 of 4 stars; one submission).

Conditions:
Catecholaminergic polymorphic ventricular tachycardia (CVPT). Also called: Catecholamine-induced polymorphic ventricular tachycardia. Identifiers: Orphanet 3286, MedGen C5574922, MONDO:0017990.

gnomAD v4.1: 2 of 1,609,272 alleles (0.00012%); highest among the groups gnomAD compares: African/African-American, 0.0027%; no homozygotes.

Submission:

All of Us Research Program, National Institutes of Health
Classification: Uncertain significance for Catecholaminergic polymorphic ventricular tachycardia. Last evaluated: 2024-03-24. Review status: criteria provided, single submitter. Criteria: ACMG Guidelines, 2015. Collection method: clinical testing. Allele origin: germline. Inheritance: Autosomal dominant inheritance. Observed: 1 variant allele, 1 heterozygote.
Comment: This missense variant replaces alanine with valine at codon 2244 of the RYR2 protein. Computational prediction suggests that this variant may have deleterious impact on protein structure and function (internally defined REVEL score threshold >= 0.7, PMID: 27666373). To our knowledge, functional studies have not been reported for this variant. This variant has not been reported in individuals affected with RYR2-related disorders in the literature. This variant has not been identified in the general population by the Genome Aggregation Database (gnomAD). The available evidence is insufficient to determine the role of this variant in disease conclusively. Therefore, this variant is classified as a Variant of Uncertain Significance.

This study involves interpretation of variants in research participants for the purpose of population health screening. Participant phenotype was not available at the time of variant classification. Additional details can be found in publication PMID: 35346344, PMCID: PMC8962531